The following is an entry in ClinVar:

ClinVar aggregate classification (germline): Uncertain significance (1 of 4 stars; one submission).

Conditions:
Osteogenesis imperfecta type 8 (OI8). Identifiers: MedGen C1970458, MONDO:0012581, OMIM 610915.

Submission:

Labcorp Genetics (formerly Invitae), Labcorp
Classification: Uncertain significance for Osteogenesis imperfecta type 8. Last evaluated: 2022-02-21. Review status: criteria provided, single submitter. Criteria: Invitae Variant Classification Sherloc (09022015). Collection method: clinical testing. Allele origin: germline.
Comment: In summary, the available evidence is currently insufficient to determine the role of this variant in disease. Therefore, it has been classified as a Variant of Uncertain Significance. Algorithms developed to predict the effect of missense changes on protein structure and function are either unavailable or do not agree on the potential impact of this missense change (SIFT: "Deleterious"; PolyPhen-2: "Probably Damaging"; Align-GVGD: "Class C0"). This variant has not been reported in the literature in individuals affected with P3H1-related conditions. This variant is not present in population databases (gnomAD no frequency). This sequence change replaces cysteine, which is neutral and slightly polar, with arginine, which is basic and polar, at codon 79 of the P3H1 protein (p.Cys79Arg).

NM_022356.4(P3H1):c.235T>C (p.Cys79Arg)

Genes: P3H1 (prolyl 3-hydroxylase 1; minus strand), LOC129930352 (ATAC-STARR-seq lymphoblastoid silent region 767; plus strand). Cytogenetic location: 1p34.2.
Variant type: single nucleotide variant.
Coding change: c.235T>C on transcript NM_022356.4 (MANE Select); coding-DNA position 235, T replaced by C.
Protein change: p.Cys79Arg; replaces cysteine 79 with arginine.
Molecular consequence: missense variant.
Genome position (GRCh38, 1-based): chr1:42,766,737, A>G on the plus strand (T>C on the coding strand, the complement: P3H1 is on the minus strand). VCF-style: chr1-42766737-A-G. GRCh37 (hg19) VCF-style: chr1-43232408-A-G.
Other names: c.235T>C, p.Cys79Arg (NM_001146289.2, NM_001243246.2); short protein forms C79R.
Identifiers: ClinVar variation 1965090 (VCV001965090.3), dbSNP rs2524515194, ClinGen allele CA339963860.